The following is an entry in ClinVar:

ClinVar aggregate classification (germline): Uncertain significance (1 of 4 stars; one submission).

Conditions:
Autosomal dominant nonsyndromic hearing loss 1. Also called: KONIGSMARK SYNDROME; DEAFNESS, AUTOSOMAL DOMINANT 1, WITH OR WITHOUT THROMBOCYTOPENIA. Identifiers: Orphanet 90635, MedGen C1852282, MONDO:0007424, OMIM 124900.
Progressive microcephaly-seizures-cortical blindness-developmental delay syndrome. Also called: Seizures, cortical blindness, and microcephaly syndrome. Identifiers: Orphanet 477814, MedGen C5567650, MONDO:0014714, OMIM 616632.

Submission:

Labcorp Genetics (formerly Invitae), Labcorp
Classification: Uncertain significance for Progressive microcephaly-seizures-cortical blindness-developmental delay syndrome; Autosomal dominant nonsyndromic hearing loss 1. Last evaluated: 2025-12-01. Review status: criteria provided, single submitter. Criteria: Invitae Variant Classification Sherloc (09022015). Collection method: clinical testing. Allele origin: germline.
Comment: This sequence change replaces proline, which is neutral and non-polar, with serine, which is neutral and polar, at codon 701 of the DIAPH1 protein (p.Pro701Ser). This variant is present in population databases (rs576129553, gnomAD 0.02%). This variant has not been reported in the literature in individuals affected with DIAPH1-related conditions. ClinVar contains an entry for this variant (Variation ID: 1439680). Experimental studies and prediction algorithms are not available or were not evaluated, and the functional significance of this variant is currently unknown. In summary, the available evidence is currently insufficient to determine the role of this variant in disease. Therefore, it has been classified as a Variant of Uncertain Significance.

NM_005219.5(DIAPH1):c.2101C>T (p.Pro701Ser)

Gene: DIAPH1 (diaphanous related formin 1; minus strand). Cytogenetic location: 5q31.3.
Variant type: single nucleotide variant.
Coding change: c.2101C>T on transcript NM_005219.5 (MANE Select); coding-DNA position 2101, C replaced by T.
Protein change: p.Pro701Ser; replaces proline 701 with serine.
Molecular consequence: missense variant.
Genome position (GRCh38, 1-based): chr5:141,573,749, G>A on the plus strand (C>T on the coding strand, the complement: DIAPH1 is on the minus strand). VCF-style: chr5-141573749-G-A. GRCh37 (hg19) VCF-style: chr5-140953316-G-A.
Other names: c.2074C>T, p.Pro692Ser (NM_001079812.3); c.2101C>T, p.Pro701Ser (NM_001314007.2); short protein forms P692S, P701S.
Identifiers: ClinVar variation 1439680 (VCV001439680.6), dbSNP rs576129553, ClinGen allele CA3479160.
Genomic context (GRCh38, chr5:141,573,749, plus strand): 5'-GAAGAGGGGGAGGAGGAGGTGGCATTCCTGCTTCTCCAGGCAAGGGAGGAGGTGGGGGGG[G>A]AATTCCAGCACTCCCAGGCAAAGGAGGTGGTGGTGGGGGGATTCTAGCACTCCCAGGCAA-3'
Protein context (NP_005210.3, residues 691-711): PPPLPGSAGI[Pro701Ser]PPPPPLPGEA